The following is an entry in ClinVar:

NM_173689.7(CRB2):c.3143C>T (p.Pro1048Leu)

Gene: CRB2 (crumbs cell polarity complex component 2; plus strand). Cytogenetic location: 9q33.3.
Variant type: single nucleotide variant.
Coding change: c.3143C>T on transcript NM_173689.7 (MANE Select); coding-DNA position 3143, C replaced by T.
Protein change: p.Pro1048Leu; replaces proline 1048 with leucine.
Molecular consequence: missense variant. On other transcripts: non-coding transcript variant (1).
Genome position (GRCh38, 1-based): chr9:123,373,674, C>T. VCF-style: chr9-123373674-C-T. GRCh37 (hg19) VCF-style: chr9-126135953-C-T.
Other names: c.3143C>T (NM_173689.5); short protein forms P1048L.
Identifiers: ClinVar variation 1706174 (VCV001706174.4), dbSNP rs1157904050, ClinGen allele CA374868112.
Genomic context (GRCh38, chr9:123,373,674, plus strand): 5'-GGCCCCGGCCCGGCGCGGCCCCTGGCGCCCGAGAGCACTTCGCGTCTTGGCCTGGGACGC[C>T]GGCCCCGATCCTCGGCTGCCGCGGCGCGCCCGTGTGTGCGCCCTCGCCCTGTCTGCACGA-3'
Protein context (NP_775960.4, residues 1038-1058): REHFASWPGT[Pro1048Leu]APILGCRGAP

ClinVar aggregate classification (germline): Uncertain significance. Review status: criteria provided, multiple submitters, no conflicts (2 of 4 stars). 2 submissions from 2 submitters: Uncertain significance (2). Last evaluated 2023-04-28.

Conditions:
Inborn genetic diseases. Identifiers: MedGen C0950123, MeSH D030342.

Allele frequency attached by ClinVar (database versions not stated): gnomAD exomes 0.00001; TOPMed 0.00002; gnomAD 0.00003.

Submissions (2):

Ambry Genetics
Classification: Uncertain significance for Inborn genetic diseases. Last evaluated: 2023-04-28. Review status: criteria provided, single submitter. Criteria: Ambry Variant Classification Scheme 2023. Collection method: clinical testing. Allele origin: germline.

GeneDx
Classification: Uncertain significance. Last evaluated: 2022-03-13. Review status: criteria provided, single submitter. Criteria: GeneDx Variant Classification Process June 2021. Collection method: clinical testing. Allele origin: germline. Affected: yes.
Comment: Not observed at significant frequency in large population cohorts (gnomAD); In silico analysis supports that this missense variant does not alter protein structure/function; Has not been previously published as pathogenic or benign to our knowledge